The following is an entry in ClinVar:

NM_001292063.2(OTOG):c.1295G>A (p.Cys432Tyr)

Gene: OTOG (otogelin; plus strand). Cytogenetic location: 11p15.1.
Variant type: single nucleotide variant.
Coding change: c.1295G>A on transcript NM_001292063.2 (MANE Select); coding-DNA position 1295, G replaced by A.
Protein change: p.Cys432Tyr; replaces cysteine 432 with tyrosine.
Molecular consequence: missense variant.
Genome position (GRCh38, 1-based): chr11:17,559,615, G>A. VCF-style: chr11-17559615-G-A. GRCh37 (hg19) VCF-style: chr11-17581162-G-A.
Other names: c.1331G>A, p.Cys444Tyr (NM_001277269.2); short protein forms C432Y, C444Y.
Identifiers: ClinVar variation 1523073 (VCV001523073.7), dbSNP rs1432190265, ClinGen allele CA379816740.

ClinVar aggregate classification (germline): Uncertain significance. Review status: criteria provided, multiple submitters, no conflicts (2 of 4 stars). 2 submissions from 2 submitters: Uncertain significance (2). Last evaluated 2022-06-13.

Allele frequency attached by ClinVar (database versions not stated): gnomAD exomes 0.00001 and 0.00003; TOPMed 0.00001.
gnomAD v4.1: 4 of 1,550,922 alleles (0.00026%); highest among the groups gnomAD compares: Admixed American, 0.0059%; no homozygotes.

Submissions (2):

GeneDx
Classification: Uncertain significance. Last evaluated: 2022-06-13. Review status: criteria provided, single submitter. Criteria: GeneDx Variant Classification Process June 2021. Collection method: clinical testing. Allele origin: germline. Affected: yes.
Comment: In silico analysis supports that this missense variant has a deleterious effect on protein structure/function; Has not been previously published as pathogenic or benign to our knowledge

Labcorp Genetics (formerly Invitae), Labcorp
Classification: Uncertain significance. Last evaluated: 2021-09-02. Review status: criteria provided, single submitter. Criteria: Invitae Variant Classification Sherloc (09022015). Collection method: clinical testing. Allele origin: germline.
Comment: This sequence change replaces cysteine with tyrosine at codon 444 of the OTOG protein (p.Cys444Tyr). The cysteine residue is highly conserved and there is a large physicochemical difference between cysteine and tyrosine. The frequency data for this variant in the population databases is considered unreliable, as metrics indicate insufficient coverage at this position in the ExAC database. This variant has not been reported in the literature in individuals affected with OTOG-related conditions. Algorithms developed to predict the effect of missense changes on protein structure and function are either unavailable or do not agree on the potential impact of this missense change (SIFT: "Deleterious"; PolyPhen-2: "Probably Damaging"; Align-GVGD: "Class C0"). In summary, the available evidence is currently insufficient to determine the role of this variant in disease. Therefore, it has been classified as a Variant of Uncertain Significance.